The following is an entry in ClinVar:

NM_032236.8(USP48):c.1576A>G (p.Ile526Val)

Gene: USP48 (ubiquitin specific peptidase 48; minus strand). Cytogenetic location: 1p36.12.
Variant type: single nucleotide variant.
Coding change: c.1576A>G on transcript NM_032236.8 (MANE Select); coding-DNA position 1576, A replaced by G.
Protein change: p.Ile526Val; replaces isoleucine 526 with valine.
Molecular consequence: missense variant. On other transcripts: intron variant (1).
Genome position (GRCh38, 1-based): chr1:21,723,970, T>C on the plus strand (A>G on the coding strand, the complement: USP48 is on the minus strand). VCF-style: chr1-21723970-T-C. GRCh37 (hg19) VCF-style: chr1-22050463-T-C.
Other names: c.1576A>G, p.Ile526Val (NM_001330394.3, NM_001350168.2); c.1573A>G, p.Ile525Val (NM_001350166.2, NM_001350167.2); c.1448-2206A>G (NM_001350164.2); short protein forms I526V, I525V.
Identifiers: ClinVar variation 4981028 (VCV004981028.1).

ClinVar aggregate classification (germline): Uncertain significance (1 of 4 stars; one submission).

Conditions:
USP48-related condition.

gnomAD v4.1: 153 of 1,614,186 alleles (0.0095%); highest among the groups gnomAD compares: African/African-American, 0.028%; 1 homozygote.

Submission:

PreventionGenetics, part of Exact Sciences
Classification: Uncertain significance for USP48-related condition. Last evaluated: 2024-11-21. Review status: criteria provided, single submitter. Criteria: ACMG Guidelines, 2015. Collection method: clinical testing. Allele origin: germline.
Comment: The USP48 c.1576A>G variant is predicted to result in the amino acid substitution p.Ile526Val. To our knowledge, this variant has not been reported in the literature. This variant is reported in 0.040% of alleles in individuals of African descent in gnomAD. Although we suspect that this variant may be benign, at this time, the clinical significance of this variant is uncertain due to the absence of conclusive functional and genetic evidence.